The following is an entry in ClinVar:

NM_172107.4(KCNQ2):c.397A>G (p.Thr133Ala)

Gene: KCNQ2 (potassium voltage-gated channel subfamily Q member 2; minus strand). Cytogenetic location: 20q13.33.
Variant type: single nucleotide variant.
Coding change: c.397A>G on transcript NM_172107.4 (MANE Select); coding-DNA position 397, A replaced by G.
Protein change: p.Thr133Ala; replaces threonine 133 with alanine.
Molecular consequence: missense variant.
Genome position (GRCh38, 1-based): chr20:63,445,355, T>C on the plus strand (A>G on the coding strand, the complement: KCNQ2 is on the minus strand). VCF-style: chr20-63445355-T-C. GRCh37 (hg19) VCF-style: chr20-62076708-T-C.
Other names: c.397A>G, p.Thr133Ala (NM_001382235.1, NM_004518.6, NM_172106.3 and 2 more transcripts); short protein forms T133A.
Identifiers: ClinVar variation 1916779 (VCV001916779.5), dbSNP rs2516512869, ClinGen allele CA409655612.

ClinVar aggregate classification (germline): Uncertain significance (1 of 4 stars; one submission).

Conditions:
Early-infantile DEE. Also called: Early infantile epileptic encephalopathy; Ohtahara syndrome; Early infantile epileptic encephalopathy with suppression bursts. Identifiers: Orphanet 1934, MedGen C0393706, MONDO:0800491.

Submission:

Labcorp Genetics (formerly Invitae), Labcorp
Classification: Uncertain significance for Early-infantile DEE. Last evaluated: 2022-04-24. Review status: criteria provided, single submitter. Criteria: Invitae Variant Classification Sherloc (09022015). Collection method: clinical testing. Allele origin: germline.
Comment: This variant is not present in population databases (gnomAD no frequency). This sequence change replaces threonine, which is neutral and polar, with alanine, which is neutral and non-polar, at codon 133 of the KCNQ2 protein (p.Thr133Ala). This variant has not been reported in the literature in individuals affected with KCNQ2-related conditions. In summary, the available evidence is currently insufficient to determine the role of this variant in disease. Therefore, it has been classified as a Variant of Uncertain Significance. Advanced modeling of protein sequence and biophysical properties (such as structural, functional, and spatial information, amino acid conservation, physicochemical variation, residue mobility, and thermodynamic stability) performed at Invitae indicates that this missense variant is expected to disrupt KCNQ2 protein function.